The following is an entry in ClinVar:

ClinVar aggregate classification (germline): Uncertain significance. Review status: criteria provided, multiple submitters, no conflicts (2 of 4 stars). 2 submissions from 2 submitters: Uncertain significance (2). Last evaluated 2025-10-31.

Conditions:
Neuronopathy, distal hereditary motor, type 7B. Also called: Distal Hereditary Motor Neuronopathy Type 7B (dHMN7B); HMN VIIB; LOWER MOTOR NEURON DISEASE, DYNACTIN TYPE; NEURONOPATHY, DISTAL HEREDITARY MOTOR, AUTOSOMAL DOMINANT 14; NEURONOPATHY, DISTAL HEREDITARY MOTOR, HARDING TYPE VIIB; NEUROPATHY, DISTAL HEREDITARY MOTOR, HARDING TYPE VIIB. Identifiers: Orphanet 139589, MedGen C1843315, MONDO:0011879, OMIM 607641.
Perry syndrome. Also called: PARKINSONISM WITH ALVEOLAR HYPOVENTILATION AND MENTAL DEPRESSION. Identifiers: Orphanet 178509, MedGen C1868594, MONDO:0008201, OMIM 168605.
Amyotrophic lateral sclerosis type 1 (ALS1). Also called: AMYOTROPHIC LATERAL SCLEROSIS 1, FAMILIAL. Identifiers: Orphanet 803, MedGen C1862939, MONDO:0007103, OMIM 105400.

Allele frequency attached by ClinVar (database versions not stated): gnomAD exomes below 0.00001; TOPMed below 0.00001.
gnomAD v4.1: 7 of 1,613,960 alleles (0.00043%); highest among the groups gnomAD compares: Middle Eastern, 0.016%; no homozygotes.

Submissions (2):

Labcorp Genetics (formerly Invitae), Labcorp
Classification: Uncertain significance for Amyotrophic lateral sclerosis type 1; Neuronopathy, distal hereditary motor, type 7B; Perry syndrome. Last evaluated: 2025-10-31. Review status: criteria provided, single submitter. Criteria: Invitae Variant Classification Sherloc (09022015). Collection method: clinical testing. Allele origin: germline.
Comment: This sequence change replaces serine, which is neutral and polar, with asparagine, which is neutral and polar, at codon 421 of the DCTN1 protein (p.Ser421Asn). This variant is not present in population databases (gnomAD no frequency). This variant has not been reported in the literature in individuals affected with DCTN1-related conditions. ClinVar contains an entry for this variant (Variation ID: 932701). Invitae Evidence Modeling of protein sequence and biophysical properties (such as structural, functional, and spatial information, amino acid conservation, physicochemical variation, residue mobility, and thermodynamic stability) indicates that this missense variant is not expected to disrupt DCTN1 protein function with a negative predictive value of 95%. In summary, the available evidence is currently insufficient to determine the role of this variant in disease. Therefore, it has been classified as a Variant of Uncertain Significance.

CeGaT Center for Human Genetics Tuebingen
Classification: Uncertain significance. Last evaluated: 2020-05-01. Review status: criteria provided, single submitter. Criteria: CeGaT Center For Human Genetics Tuebingen Variant Classification Criteria Version 2. Collection method: clinical testing. Allele origin: germline. Affected: yes. Observed: 1 variant allele.

NM_004082.5(DCTN1):c.1262G>A (p.Ser421Asn)

Gene: DCTN1 (dynactin subunit 1; minus strand). Cytogenetic location: 2p13.1.
Variant type: single nucleotide variant.
Coding change: c.1262G>A on transcript NM_004082.5 (MANE Select); coding-DNA position 1262, G replaced by A.
Protein change: p.Ser421Asn; replaces serine 421 with asparagine.
Molecular consequence: missense variant. On other transcripts: non-coding transcript variant (1).
Genome position (GRCh38, 1-based): chr2:74,370,211, C>T on the plus strand (G>A on the coding strand, the complement: DCTN1 is on the minus strand). VCF-style: chr2-74370211-C-T. GRCh37 (hg19) VCF-style: chr2-74597338-C-T.
Other names: c.1202G>A, p.Ser401Asn (NM_001135040.3); c.860G>A, p.Ser287Asn (NM_001135041.3, NM_023019.4); c.1151G>A, p.Ser384Asn (NM_001190836.2); c.1241G>A, p.Ser414Asn (NM_001190837.2); c.1211G>A, p.Ser404Asn (NM_001378991.1); c.1193G>A, p.Ser398Asn (NM_001378992.1); short protein forms S398N, S414N, S421N, S287N, S384N, S401N, S404N.
Identifiers: ClinVar variation 932701 (VCV000932701.40), dbSNP rs1674733608, ClinGen allele CA347360609.
Genomic context (GRCh38, chr2:74,370,211, plus strand): 5'-GGGGGATTCTGGGTGAGGGGCTGGGCTCCCCAGACCTGCTCCTTGAGCTCATCAATGGTG[C>T]TCTCTGCCTGGCTTAGCTCCTCCTGCAGACGCTCCCGCTGTTGCCTCACAACTTCCAGCT-3'
Protein context (NP_004073.2, residues 411-431): RLQEELSQAE[Ser421Asn]TIDELKEQVD